The following is an entry in ClinVar:

NM_000719.7(CACNA1C):c.6018C>A (p.Ser2006Arg)

Genes: CACNA1C (calcium voltage-gated channel subunit alpha1 C; plus strand), CACNA1C-AS1 (CACNA1C antisense RNA 1; minus strand). Cytogenetic location: 12p13.33.
Variant type: single nucleotide variant.
Coding change: c.6018C>A on transcript NM_000719.7 (MANE Select); coding-DNA position 6018, C replaced by A.
Protein change: p.Ser2006Arg; replaces serine 2006 with arginine.
Molecular consequence: missense variant.
Genome position (GRCh38, 1-based): chr12:2,688,680, C>A. VCF-style: chr12-2688680-C-A. GRCh37 (hg19) VCF-style: chr12-2797846-C-A.
Other names: c.6162C>A, p.Ser2054Arg (NM_001129827.2); c.6141C>A, p.Ser2047Arg (NM_001129829.2); c.6123C>A, p.Ser2041Arg (NM_001129830.3, NM_001167624.3); c.6102C>A, p.Ser2034Arg (NM_001129831.2); c.6078C>A, p.Ser2026Arg (NM_001129832.2); c.6075C>A, p.Ser2025Arg (NM_001129833.2, NM_001129834.2, NM_001129835.2); c.6069C>A, p.Ser2023Arg (NM_001129836.2); c.6042C>A, p.Ser2014Arg (NM_001129837.2, NM_001129838.2); and 6 more; short protein forms S2023R, S2041R, S2003R, S2025R, S2026R, S2047R, S2054R, S2006R.
Identifiers: ClinVar variation 1045556 (VCV001045556.9), dbSNP rs368817423, ClinGen allele CA383385154.

ClinVar aggregate classification (germline): Uncertain significance. Review status: criteria provided, multiple submitters, no conflicts (2 of 4 stars). 2 submissions from 2 submitters: Uncertain significance (2). Last evaluated 2025-10-07.

Conditions:
Long QT syndrome (LQTS). Identifiers: MedGen C0023976, MeSH D008133, MONDO:0002442. Disease mechanism: loss of function. Inheritance: Various modes of inheritance.
Long QT syndrome 8. Identifiers: MedGen CN260585, MONDO:0032756, OMIM 618447.
Brugada syndrome 3 (BRGDA3). Identifiers: Orphanet 130, MedGen C2678478, MONDO:0012742, OMIM 611875.
Timothy syndrome (TS). Also called: LONG QT SYNDROME WITH SYNDACTYLY. Identifiers: Orphanet 65283, MedGen C1832916, MeSH C536962, MONDO:0010979, OMIM 601005.

Allele frequency attached by ClinVar (database versions not stated): TOPMed 0.00002.
gnomAD v4.1: 9 of 1,613,040 alleles (0.00056%); highest among the groups gnomAD compares: Non-Finnish European, 0.00076%; no homozygotes.

Submissions (2):

Labcorp Genetics (formerly Invitae), Labcorp
Classification: Uncertain significance for Long QT syndrome. Last evaluated: 2025-10-07. Review status: criteria provided, single submitter. Criteria: Invitae Variant Classification Sherloc (09022015). Collection method: clinical testing. Allele origin: germline.
Comment: This sequence change replaces serine, which is neutral and polar, with arginine, which is basic and polar, at codon 2006 of the CACNA1C protein (p.Ser2006Arg). The frequency data for this variant in the population databases is considered unreliable, as metrics indicate poor data quality at this position in the gnomAD database. This variant has not been reported in the literature in individuals affected with CACNA1C-related conditions. ClinVar contains an entry for this variant (Variation ID: 1045556). Invitae Evidence Modeling of protein sequence and biophysical properties (such as structural, functional, and spatial information, amino acid conservation, physicochemical variation, residue mobility, and thermodynamic stability) indicates that this missense variant is not expected to disrupt CACNA1C protein function with a negative predictive value of 95%. In summary, the available evidence is currently insufficient to determine the role of this variant in disease. Therefore, it has been classified as a Variant of Uncertain Significance.

Fulgent Genetics
Classification: Uncertain significance for Timothy syndrome; Brugada syndrome 3; Long QT syndrome 8. Last evaluated: 2021-09-30. Review status: criteria provided, single submitter. Criteria: ACMG Guidelines, 2015. Collection method: clinical testing. Allele origin: unknown.